The following is an entry in ClinVar:

NM_015450.3(POT1):c.470A>T (p.Gln157Leu)

Gene: POT1 (protection of telomeres 1; minus strand). Cytogenetic location: 7q31.33.
Variant type: single nucleotide variant.
Coding change: c.470A>T on transcript NM_015450.3 (MANE Select); coding-DNA position 470, A replaced by T.
Protein change: p.Gln157Leu; replaces glutamine 157 with leucine.
Molecular consequence: missense variant. On other transcripts: non-coding transcript variant (3).
Genome position (GRCh38, 1-based): chr7:124,863,426, T>A on the plus strand (A>T on the coding strand, the complement: POT1 is on the minus strand). VCF-style: chr7-124863426-T-A. GRCh37 (hg19) VCF-style: chr7-124503480-T-A.
Other names: c.77A>T, p.Gln26Leu (NM_001042594.2); short protein forms Q157L, Q26L.
Identifiers: ClinVar variation 3308963 (VCV003308963.1).

ClinVar aggregate classification (germline): Uncertain significance (1 of 4 stars; one submission).

Conditions:
Hereditary cancer-predisposing syndrome. Also called: Neoplastic Syndromes, Hereditary; Tumor predisposition; Hereditary neoplastic syndrome; Hereditary Cancer Syndrome. Identifiers: Orphanet 140162, MedGen C0027672, MeSH D009386, MONDO:0015356.

gnomAD v4.1: 1 of 1,614,004 alleles (0.000062%); no homozygotes.

Submission:

Ambry Genetics
Classification: Uncertain significance for Hereditary cancer-predisposing syndrome. Last evaluated: 2024-04-26. Review status: criteria provided, single submitter. Criteria: Ambry Variant Classification Scheme 2023. Collection method: clinical testing. Allele origin: germline.
Comment: The p.Q157L variant (also known as c.470A>T), located in coding exon 4 of the POT1 gene, results from an A to T substitution at nucleotide position 470. The glutamine at codon 157 is replaced by leucine, an amino acid with dissimilar properties. This amino acid position is conserved. In addition, this alteration is predicted to be tolerated by in silico analysis. Based on the available evidence, the clinical significance of this variant remains unclear.